The following is an entry in ClinVar:

NM_032119.4(ADGRV1):c.11579C>T (p.Pro3860Leu)

Gene: ADGRV1 (adhesion G protein-coupled receptor V1; plus strand). Cytogenetic location: 5q14.3.
Variant type: single nucleotide variant.
Coding change: c.11579C>T on transcript NM_032119.4 (MANE Select); coding-DNA position 11579, C replaced by T.
Protein change: p.Pro3860Leu; replaces proline 3860 with leucine.
Molecular consequence: missense variant. On other transcripts: non-coding transcript variant (1).
Genome position (GRCh38, 1-based): chr5:90,755,184, C>T. VCF-style: chr5-90755184-C-T. GRCh37 (hg19) VCF-style: chr5-90051001-C-T.
Other names: short protein forms P3860L.
Identifiers: ClinVar variation 228705 (VCV000228705.19), dbSNP rs759908554, ClinGen allele CA3340991.
Genomic context (GRCh38, chr5:90,755,184, plus strand): 5'-AAACAATAATAATAATGAAAGAAAACATAAAAGAAGCTCATGCCGAAGTTTCCATTTTGC[C>T]GGTAAGTCAAGGCTGCAAAGAATGTGATCTAAAATAGAGGAAAATTCTCTTAAGTAAAAT-3'
Protein context (NP_115495.3, residues 3850-3870): KEAHAEVSIL[Pro3860Leu]DDLPELEEGF

ClinVar aggregate classification (germline): Uncertain significance. Review status: criteria provided, multiple submitters, no conflicts (2 of 4 stars). 6 submissions from 6 submitters: Uncertain significance (6). Last evaluated 2026-06-16.

Conditions:
ADGRV1-related disorder. Also called: ADGRV1-related condition; ADGRV1-related disorders.
Usher syndrome type 2C. Also called: Usher syndrome, type 2B; USHER SYNDROME, TYPE IIC. Identifiers: Orphanet 231178, Orphanet 886, MedGen C2931213, MONDO:0011558, OMIM 605472.

Allele frequency attached by ClinVar (database versions not stated): gnomAD exomes 0.00003 and 0.00006; ExAC 0.00004; gnomAD 0.00018 and 0.00019; TOPMed 0.00042.
gnomAD v4.1: 71 of 1,593,514 alleles (0.0045%); highest among the groups gnomAD compares: Admixed American, 0.086%; no homozygotes.

Submissions (6):

PreventionGenetics, part of Exact Sciences
Classification: Uncertain significance for ADGRV1-related condition. Last evaluated: 2026-06-16. Review status: criteria provided, single submitter. Criteria: ACMG Guidelines, 2015. Collection method: clinical testing. Allele origin: germline.
Comment: The ADGRV1 c.11579C>T variant is predicted to result in the amino acid substitution p.Pro3860Leu. This variant has been reported in an individual with Usher syndrome, although a second potentially disease causing variant was not identified (Patient 022-034, Table S1, Bujakowska et al. 2014. PubMed ID: 25468891). This variant has also been reported in the heterozygous state in an individual with epilepsy (Leng et al. 2022. PubMed ID: 36399868). This variant is present in 0.018% of alleles in individuals of Latino descent in gnomAD. At this time, the clinical significance of this variant is uncertain due to the absence of conclusive functional and genetic evidence.

GeneDx
Classification: Uncertain significance. Last evaluated: 2025-09-19. Review status: criteria provided, single submitter. Criteria: GeneDx Variant Classification Process June 2021. Collection method: clinical testing. Allele origin: germline. Affected: yes.
Comment: Reported without a second variant in a patient with Usher syndrome in published literature (PMID: 25468891); In silico analysis supports that this missense variant has a deleterious effect on protein structure/function; This variant is associated with the following publications: (PMID: 25468891, 34262361, 36399868)

Blueprint Genetics
Classification: Uncertain significance. Last evaluated: 2024-01-05. Review status: criteria provided, single submitter. Criteria: ACMG Guidelines, 2015. Collection method: clinical testing. Allele origin: germline.

Labcorp Genetics (formerly Invitae), Labcorp
Classification: Uncertain significance. Last evaluated: 2022-08-16. Review status: criteria provided, single submitter. Criteria: Invitae Variant Classification Sherloc (09022015). Collection method: clinical testing. Allele origin: germline.
Comment: This sequence change replaces proline, which is neutral and non-polar, with leucine, which is neutral and non-polar, at codon 3860 of the ADGRV1 protein (p.Pro3860Leu). This variant is present in population databases (rs759908554, gnomAD 0.02%). This variant has not been reported in the literature in individuals affected with ADGRV1-related conditions. ClinVar contains an entry for this variant (Variation ID: 228705). Algorithms developed to predict the effect of missense changes on protein structure and function are either unavailable or do not agree on the potential impact of this missense change (SIFT: "Deleterious"; PolyPhen-2: "Probably Damaging"; Align-GVGD: "Class C0"). In summary, the available evidence is currently insufficient to determine the role of this variant in disease. Therefore, it has been classified as a Variant of Uncertain Significance.

Illumina Laboratory Services, Illumina
Classification: Uncertain significance for Usher syndrome type 2C. Last evaluated: 2017-04-28. Review status: criteria provided, single submitter. Criteria: ICSL Variant Classification Criteria 13 December 2019. Collection method: clinical testing. Allele origin: germline.
Comment: This variant was observed as part of a predisposition screen in an ostensibly healthy population. A literature search was performed for the gene, cDNA change, and amino acid change (where applicable). Publications were found based on this search. However, the evidence from the literature, in combination with allele frequency data from public databases where available, was not sufficient to rule this variant in or out of causing disease. Therefore, this variant is classified as a variant of unknown significance.

Laboratory for Molecular Medicine, Mass General Brigham Personalized Medicine
Classification: Uncertain significance. Last evaluated: 2015-07-02. Review status: criteria provided, single submitter. Criteria: LMM Criteria. Collection method: clinical testing. Allele origin: germline. Observed: 1 variant allele.
Comment: The p.Pro3860Leu variant in GPR98 has been previously reported in 1 individual w ith type 1 Usher Syndrome; however, a variant affecting the remaining copy of GP R98 was not identified in that individual (Bujawkowska 2014). This variant has also been identified in 4/54010 of European chromosomes by the Exome Aggregation Consortium (ExAC). Although this variant has be en seen in the general population, its frequency is not high enough to rule out a pathogenic role. Computational prediction tools and conservation analysis do n ot provide strong support for or against an impact to the protein. In summary, t he clinical significance of the p.Pro3860Leu variant is uncertain.

Literature cited by the submitters: PubMed 25468891 (cited by Illumina Laboratory Services, Illumina and Laboratory for Molecular Medicine, Mass General Brigham Personalized Medicine).